The following is an entry in ClinVar:

NM_020699.4(GATAD2B):c.872A>G (p.Asn291Ser)

Gene: GATAD2B (GATA zinc finger domain containing 2B; minus strand). Cytogenetic location: 1q21.3.
Variant type: single nucleotide variant.
Coding change: c.872A>G on transcript NM_020699.4 (MANE Select); coding-DNA position 872, A replaced by G.
Protein change: p.Asn291Ser; replaces asparagine 291 with serine.
Molecular consequence: missense variant.
Genome position (GRCh38, 1-based): chr1:153,817,400, T>C on the plus strand (A>G on the coding strand, the complement: GATAD2B is on the minus strand). VCF-style: chr1-153817400-T-C. GRCh37 (hg19) VCF-style: chr1-153789876-T-C.
Other names: short protein forms N291S.
Identifiers: ClinVar variation 2823303 (VCV002823303.3), dbSNP rs2525252319, ClinGen allele CA342529785.

ClinVar aggregate classification (germline): Uncertain significance (1 of 4 stars; one submission).

Allele frequency attached by ClinVar (database versions not stated): gnomAD exomes below 0.00001.
gnomAD v4.1: 5 of 1,586,016 alleles (0.00032%); highest among the groups gnomAD compares: Non-Finnish European, 0.00043%; no homozygotes.

Submission:

Labcorp Genetics (formerly Invitae), Labcorp
Classification: Uncertain significance. Last evaluated: 2022-12-22. Review status: criteria provided, single submitter. Criteria: Invitae Variant Classification Sherloc (09022015). Collection method: clinical testing. Allele origin: germline.
Comment: Advanced modeling of protein sequence and biophysical properties (such as structural, functional, and spatial information, amino acid conservation, physicochemical variation, residue mobility, and thermodynamic stability) performed at Invitae indicates that this missense variant is not expected to disrupt GATAD2B protein function. In summary, the available evidence is currently insufficient to determine the role of this variant in disease. Therefore, it has been classified as a Variant of Uncertain Significance. This variant has not been reported in the literature in individuals affected with GATAD2B-related conditions. This sequence change replaces asparagine, which is neutral and polar, with serine, which is neutral and polar, at codon 291 of the GATAD2B protein (p.Asn291Ser). This variant is not present in population databases (gnomAD no frequency).